The following is an entry in ClinVar:

NM_000334.4(SCN4A):c.3686A>G (p.Asn1229Ser)

Genes: GH-LCR (growth hormone locus control region; plus strand), SCN4A (sodium voltage-gated channel alpha subunit 4; minus strand). Cytogenetic location: 17q23.3.
Variant type: single nucleotide variant.
Coding change: c.3686A>G on transcript NM_000334.4 (MANE Select); coding-DNA position 3686, A replaced by G.
Protein change: p.Asn1229Ser; replaces asparagine 1229 with serine.
Molecular consequence: missense variant.
Genome position (GRCh38, 1-based): chr17:63,945,394, T>C on the plus strand (A>G on the coding strand, the complement: SCN4A is on the minus strand). VCF-style: chr17-63945394-T-C. GRCh37 (hg19) VCF-style: chr17-62022754-T-C.
Other names: short protein forms N1229S.
Identifiers: ClinVar variation 1476027 (VCV001476027.6), dbSNP rs900270228, ClinGen allele CA292961573.

ClinVar aggregate classification (germline): Uncertain significance (1 of 4 stars; one submission).

Conditions:
Hyperkalemic periodic paralysis. Also called: Familial hyperkalemic periodic paralysis; Gamstorp disease. Identifiers: Orphanet 682, MedGen C0238357, MONDO:0008224, OMIM 170500, HP:0007215.

Allele frequency attached by ClinVar (database versions not stated): TOPMed 0.00001.

Submission:

Labcorp Genetics (formerly Invitae), Labcorp
Classification: Uncertain significance for Hyperkalemic periodic paralysis. Last evaluated: 2023-04-15. Review status: criteria provided, single submitter. Criteria: Invitae Variant Classification Sherloc (09022015). Collection method: clinical testing. Allele origin: germline.
Comment: In summary, the available evidence is currently insufficient to determine the role of this variant in disease. Therefore, it has been classified as a Variant of Uncertain Significance. Advanced modeling of protein sequence and biophysical properties (such as structural, functional, and spatial information, amino acid conservation, physicochemical variation, residue mobility, and thermodynamic stability) has been performed at Invitae for this missense variant, however the output from this modeling did not meet the statistical confidence thresholds required to predict the impact of this variant on SCN4A protein function. ClinVar contains an entry for this variant (Variation ID: 1476027). This variant has not been reported in the literature in individuals affected with SCN4A-related conditions. This variant is not present in population databases (gnomAD no frequency). This sequence change replaces asparagine, which is neutral and polar, with serine, which is neutral and polar, at codon 1229 of the SCN4A protein (p.Asn1229Ser).